The following is an entry in ClinVar:

NM_001130144.3(LTBP3):c.3279_3303del (p.Pro1094fs)

Genes: LTBP3 (latent transforming growth factor beta binding protein 3; minus strand), LOC121832793 (Sharpr-MPRA regulatory region 4001; plus strand). Cytogenetic location: 11q13.1.
Variant type: Deletion.
Coding change: c.3279_3303del on transcript NM_001130144.3 (MANE Select); coding-DNA positions 3279 to 3303, 25 bases deleted (CCCTGGCCGCTGCGTCAACCTGCCG).
Protein change: p.Pro1094fs; shifts the reading frame from proline 1094.
Molecular consequence: frameshift variant. On other transcripts: intron variant (2).
Genome position (GRCh38, 1-based): chr11:65,540,095-65,540,119, CGGCAGGTTGACGCAGCGGCCAGGG deleted on the plus strand (CCCTGGCCGCTGCGTCAACCTGCCG on the coding strand, the reverse complement: LTBP3 is on the minus strand); deleting any 25 consecutive bases within chr11:65,540,095-65,540,126 gives the same sequence; the c. name uses the placement nearest the transcript's 3' end. VCF-style (leftmost placement, unchanged base first): chr11-65540094-CCGGCAGGTTGACGCAGCGGCCAGGG-C. GRCh37 (hg19) VCF-style: chr11-65307565-CCGGCAGGTTGACGCAGCGGCCAGGG-C.
Other names: c.2893+126_2893+150del (NM_001164266.1); c.3244+126_3244+150del (NM_021070.4); short protein forms P1094fs.
Identifiers: ClinVar variation 3620101 (VCV003620101.2).

ClinVar aggregate classification (germline): Pathogenic (1 of 4 stars; one submission).

Conditions:
Brachyolmia-amelogenesis imperfecta syndrome. Also called: PLATYSPONDYLY WITH AMELOGENESIS IMPERFECTA; Tooth agenesis, selective, 6; Dental anomalies and short stature. Identifiers: Orphanet 2899, MedGen C1832594, MONDO:0011018, OMIM 601216. Disease mechanism: loss of function.

Submission:

Labcorp Genetics (formerly Invitae), Labcorp
Classification: Pathogenic for Brachyolmia-amelogenesis imperfecta syndrome. Last evaluated: 2024-12-22. Review status: criteria provided, single submitter. Criteria: Invitae Variant Classification Sherloc (09022015). Collection method: clinical testing. Allele origin: germline.
Comment: This sequence change creates a premature translational stop signal (p.Pro1094Alafs*123) in the LTBP3 gene. It is expected to result in an absent or disrupted protein product. Loss-of-function variants in LTBP3 are known to be pathogenic (PMID: 11790802, 19344874, 25669657). This variant is not present in population databases (gnomAD no frequency). This variant has not been reported in the literature in individuals affected with LTBP3-related conditions. For these reasons, this variant has been classified as Pathogenic.

Literature cited by the submitters: PubMed 11790802; PubMed 19344874; PubMed 25669657.